The following is an entry in ClinVar:

NM_001371623.1(TCOF1):c.4413G>A (p.Glu1471=)

Gene: TCOF1 (treacle ribosome biogenesis factor 1; plus strand). Cytogenetic location: 5q32.
Variant type: single nucleotide variant.
Coding change: c.4413G>A on transcript NM_001371623.1 (MANE Select); coding-DNA position 4413, G replaced by A.
Protein change: p.Glu1471=; no amino-acid change (glutamic acid 1471 retained).
Molecular consequence: synonymous variant.
Genome position (GRCh38, 1-based): chr5:150,398,421, G>A. VCF-style: chr5-150398421-G-A. GRCh37 (hg19) VCF-style: chr5-149777984-G-A.
Other names: c.4179G>A, p.Glu1393= (NM_000356.4); c.4410G>A, p.Glu1470= (NM_001135243.2); c.4299G>A, p.Glu1433= (NM_001135244.2); c.4182G>A, p.Glu1394= (NM_001135245.2); c.4296G>A, p.Glu1432= (NM_001195141.2).
Identifiers: ClinVar variation 2081315 (VCV002081315.26), dbSNP rs370004749, ClinGen allele CA3511756.
Genomic context (GRCh38, chr5:150,398,421, plus strand): 5'-AGACAAAGAAAAAAAAGAAAAGAAGAAGAAAGCAAAAAAGGCCTCAACCAAAGATTCTGA[G>A]TCACCGTCCCAGAAGAAAAAGAAGAAAAAGGTAGAGAGTTCCTGGGGTGTCTCAGGCCAG-3'
Protein context (NP_001358552.1, residues 1461-1481): KAKKASTKDS[Glu1471=]SPSQKKKKKK

ClinVar aggregate classification (germline): Benign/Likely benign. Review status: criteria provided, multiple submitters, no conflicts (2 of 4 stars). 2 submissions from 2 submitters: Benign (1); Likely benign (1). Last evaluated 2024-01-01.

Conditions:
Treacher Collins syndrome 1 (TCS1). Also called: TCOF1-Related Treacher Collins Syndrome. Identifiers: Orphanet 861, MedGen CN315775, MONDO:0007944, OMIM 154500.

Allele frequency attached by ClinVar (database versions not stated): gnomAD exomes 0.00002; gnomAD 0.00005; ExAC 0.00007; TOPMed 0.00007; ESP Exome Variant Server 0.00015.
gnomAD v4.1: 46 of 1,614,052 alleles (0.0028%); highest among the groups gnomAD compares: Non-Finnish European, 0.00051%; no homozygotes.

Submissions (2):

CeGaT Center for Human Genetics Tuebingen
Classification: Likely benign. Last evaluated: 2024-01-01. Review status: criteria provided, single submitter. Criteria: CeGaT Center For Human Genetics Tuebingen Variant Classification Criteria Version 2. Collection method: clinical testing. Allele origin: germline. Affected: yes. Observed: 1 variant allele.
Comment: TCOF1: BP4, BP7

Labcorp Genetics (formerly Invitae), Labcorp
Classification: Benign for Treacher Collins syndrome 1. Last evaluated: 2022-10-02. Review status: criteria provided, single submitter. Criteria: Invitae Variant Classification Sherloc (09022015). Collection method: clinical testing. Allele origin: germline.